The following is an entry in ClinVar:

NM_017780.4(CHD7):c.2852A>T (p.Asp951Val)

Gene: CHD7 (chromodomain helicase DNA binding protein 7; plus strand). Cytogenetic location: 8q12.2.
Variant type: single nucleotide variant.
Coding change: c.2852A>T on transcript NM_017780.4 (MANE Select); coding-DNA position 2852, A replaced by T.
Protein change: p.Asp951Val; replaces aspartic acid 951 with valine.
Molecular consequence: missense variant. On other transcripts: intron variant (1).
Genome position (GRCh38, 1-based): chr8:60,822,040, A>T. VCF-style: chr8-60822040-A-T. GRCh37 (hg19) VCF-style: chr8-61734599-A-T.
Other names: c.1717-40189A>T (NM_001316690.1); short protein forms D951V.
Identifiers: ClinVar variation 1439487 (VCV001439487.9), dbSNP rs768456277, ClinGen allele CA371308141.

ClinVar aggregate classification (germline): Uncertain significance. Review status: criteria provided, multiple submitters, no conflicts (2 of 4 stars). 2 submissions from 2 submitters: Uncertain significance (2). Last evaluated 2025-12-13.

Conditions:
CHARGE syndrome (CHARGE). Also called: Coloboma, heart anomaly, choanal atresia, retardation, genital and ear anomalies; CHARGE association; Hall-Hittner syndrome; Hittner Hirsch Kreh syndrome; CHARGE ASSOCIATION--COLOBOMA, HEART ANOMALY, CHOANAL ATRESIA, RETARDATION, GENITAL AND EAR ANOMALIES. Identifiers: Orphanet 138, MedGen C0265354, MONDO:0008965.

Allele frequency attached by ClinVar (database versions not stated): TOPMed below 0.00001.
gnomAD v4.1: 1 of 1,613,880 alleles (0.000062%); no homozygotes.

Submissions (2):

Labcorp Genetics (formerly Invitae), Labcorp
Classification: Uncertain significance for CHARGE syndrome. Last evaluated: 2025-12-13. Review status: criteria provided, single submitter. Criteria: Invitae Variant Classification Sherloc (09022015). Collection method: clinical testing. Allele origin: germline.
Comment: This sequence change replaces aspartic acid, which is acidic and polar, with valine, which is neutral and non-polar, at codon 951 of the CHD7 protein (p.Asp951Val). This variant is not present in population databases (gnomAD no frequency). This variant has not been reported in the literature in individuals affected with CHD7-related conditions. ClinVar contains an entry for this variant (Variation ID: 1439487). Invitae Evidence Modeling of protein sequence and biophysical properties (such as structural, functional, and spatial information, amino acid conservation, physicochemical variation, residue mobility, and thermodynamic stability) indicates that this missense variant is not expected to disrupt CHD7 protein function with a negative predictive value of 95%. In summary, the available evidence is currently insufficient to determine the role of this variant in disease. Therefore, it has been classified as a Variant of Uncertain Significance.

GeneDx
Classification: Uncertain significance. Last evaluated: 2022-06-21. Review status: criteria provided, single submitter. Criteria: GeneDx Variant Classification Process June 2021. Collection method: clinical testing. Allele origin: germline. Affected: yes.
Comment: Not observed at significant frequency in large population cohorts (gnomAD); In silico analysis supports that this missense variant has a deleterious effect on protein structure/function; Has not been previously published as pathogenic or benign to our knowledge